The following is an entry in ClinVar:

NM_001734.5(C1S):c.2003T>C (p.Val668Ala)

Gene: C1S (complement C1s; plus strand). Cytogenetic location: 12p13.31.
Variant type: single nucleotide variant.
Coding change: c.2003T>C on transcript NM_001734.5 (MANE Select); coding-DNA position 2003, T replaced by C.
Protein change: p.Val668Ala; replaces valine 668 with alanine.
Molecular consequence: missense variant.
Genome position (GRCh38, 1-based): chr12:7,070,587, T>C. VCF-style: chr12-7070587-T-C. GRCh37 (hg19) VCF-style: chr12-7177891-T-C.
Other names: c.1502T>C, p.Val501Ala (NM_001346850.2); c.2003T>C, p.Val668Ala (NM_201442.4); short protein forms V501A, V668A.
Identifiers: ClinVar variation 2012803 (VCV002012803.4), dbSNP rs782166182, ClinGen allele CA6423873.

ClinVar aggregate classification (germline): Uncertain significance (1 of 4 stars; one submission).

Allele frequency attached by ClinVar (database versions not stated): gnomAD exomes below 0.00001; TOPMed below 0.00001; ExAC 0.00001.
gnomAD v4.1: 1 of 1,613,998 alleles (0.000062%); highest among the groups gnomAD compares: Non-Finnish European, 0.000085%; no homozygotes.

Submission:

Labcorp Genetics (formerly Invitae), Labcorp
Classification: Uncertain significance. Last evaluated: 2022-07-01. Review status: criteria provided, single submitter. Criteria: Invitae Variant Classification Sherloc (09022015). Collection method: clinical testing. Allele origin: germline.
Comment: In summary, the available evidence is currently insufficient to determine the role of this variant in disease. Therefore, it has been classified as a Variant of Uncertain Significance. Algorithms developed to predict the effect of missense changes on protein structure and function (SIFT, PolyPhen-2, Align-GVGD) all suggest that this variant is likely to be disruptive. This variant has not been reported in the literature in individuals affected with C1S-related conditions. This variant is present in population databases (rs782166182, gnomAD 0.0009%). This sequence change replaces valine, which is neutral and non-polar, with alanine, which is neutral and non-polar, at codon 668 of the C1S protein (p.Val668Ala).